The following is an entry in ClinVar:

NM_001267550.2(TTN):c.98641C>T (p.Pro32881Ser)

Genes: TTN-AS1 (TTN antisense RNA 1; plus strand), TTN (titin; minus strand). Cytogenetic location: 2q31.2.
Variant type: single nucleotide variant.
Coding change: c.98641C>T on transcript NM_001267550.2 (MANE Select); coding-DNA position 98641, C replaced by T.
Protein change: p.Pro32881Ser; replaces proline 32881 with serine.
Molecular consequence: missense variant. On other transcripts: non-coding transcript variant (1).
Genome position (GRCh38, 1-based): chr2:178,539,424, G>A on the plus strand (C>T on the coding strand, the complement: TTN is on the minus strand). VCF-style: chr2-178539424-G-A. GRCh37 (hg19) VCF-style: chr2-179404151-G-A.
Other names: c.90937C>T, p.Pro30313Ser (NM_133378.4); c.93718C>T, p.Pro31240Ser (NM_001256850.1); c.71446C>T, p.Pro23816Ser (NM_003319.4); c.71821C>T, p.Pro23941Ser (NM_133432.3); c.72022C>T, p.Pro24008Ser (NM_133437.4); short protein forms P30313S, P32881S, P31240S, P23816S, P23941S, P24008S.
Identifiers: ClinVar variation 191837 (VCV000191837.24), dbSNP rs367979582, ClinGen allele CA237665.

ClinVar aggregate classification (germline): Conflicting classifications of pathogenicity. Review status: criteria provided, conflicting classifications (1 of 4 stars). 16 submissions from 12 submitters: Uncertain significance (9); Benign (2); Likely benign (3). 2 of the submissions do not count toward it. Last evaluated 2023-11-10.

Conditions:
Dilated cardiomyopathy 1G (CMD1G). Identifiers: Orphanet 154, MedGen C1858763, MONDO:0011400, OMIM 604145.
Autosomal recessive limb-girdle muscular dystrophy type 2J (LGMDR10). Also called: MUSCULAR DYSTROPHY, LIMB-GIRDLE, AUTOSOMAL RECESSIVE 10; Limb-girdle muscular dystrophy, type 2J. Identifiers: Orphanet 140922, MedGen C1837342, MONDO:0012127, OMIM 608807.
TTN-related disorder. Also called: TTN-related condition; TTN-related disease; TTN-related disorders.
Cardiovascular phenotype. Identifiers: MedGen CN230736.
Early-onset myopathy with fatal cardiomyopathy (CMYO5). Also called: CONGENITAL MYOPATHY 5 WITH CARDIOMYOPATHY; Salih Myopathy. Identifiers: Orphanet 289377, MedGen C2673677, MONDO:0012714, OMIM 611705. Disease mechanism: loss of function.
Myopathy, myofibrillar, 9, with early respiratory failure (MFM9). Also called: EDSTROM MYOPATHY; MYOPATHY, PROXIMAL, WITH EARLY RESPIRATORY MUSCLE INVOLVEMENT; Myopathy, distal, with early respiratory failure, autosomal dominant; Hereditary myopathy with early respiratory failure. Identifiers: Orphanet 178464, Orphanet 34521, MedGen C1863599, MONDO:0011362, OMIM 603689.
Tibial muscular dystrophy (TMD). Also called: UDD MYOPATHY; Tibial muscular dystrophy, tardive; Udd Distal Myopathy – Tibial Muscular Dystrophy. Identifiers: Orphanet 609, MedGen C1838244, MONDO:0010870, OMIM 600334.

Allele frequency attached by ClinVar (database versions not stated): TOPMed 0.00003; gnomAD 0.00004 and 0.00007; gnomAD exomes 0.00004 and 0.00010; ExAC 0.00009; 1000 Genomes Project 0.00040; 1000 Genomes Project 30x 0.00047.

Submissions (16):

Women's Health and Genetics/Laboratory Corporation of America, LabCorp
Classification: Uncertain significance. Last evaluated: 2023-11-10. Review status: criteria provided, single submitter. Criteria: LabCorp Variant Classification Summary - May 2015. Collection method: clinical testing. Allele origin: germline.
Comment: Variant summary: TTN c.90937C>T (p.Pro30313Ser) results in a non-conservative amino acid change located in the A band region of the encoded protein sequence. Two of four in-silico tools predict a benign effect of the variant on protein function. The variant allele was found at a frequency of 0.0001 in 248924 control chromosomes (gnomAD). To our knowledge, no occurrence of c.90937C>T in individuals affected with Limb-Girdle Muscular Dystrophy, Type 2J and no experimental evidence demonstrating its impact on protein function have been reported. Seven submitters have cited clinical-significance assessments for this variant to ClinVar after 2014. Multiple submitters reported the variant with conflicting assessments (benign/likely benign =3, VUS=4). Based on the evidence outlined above, the variant was classified as uncertain significance.

Revvity Omics, Revvity
Classification: Likely benign. Last evaluated: 2023-05-19. Review status: criteria provided, single submitter. Criteria: ACMG Guidelines, 2015. Collection method: clinical testing. Allele origin: germline.

PreventionGenetics, part of Exact Sciences
Classification: Uncertain significance for TTN-related condition. Last evaluated: 2022-09-28. Review status: criteria provided, single submitter. Criteria: ACMG Guidelines, 2015. Collection method: clinical testing. Allele origin: germline.
Comment: The TTN c.98641C>T variant is predicted to result in the amino acid substitution p.Pro32881Ser. To our knowledge, this variant has not been reported in the literature. This variant is reported in 0.11% of alleles in individuals of East Asian descent in gnomAD. Although we suspect that this variant may be benign, at this time, the clinical significance of this variant is uncertain due to the absence of conclusive functional and genetic evidence.

Ambry Genetics
Classification: Likely benign for Cardiovascular phenotype. Last evaluated: 2019-12-15. Review status: criteria provided, single submitter. Criteria: Ambry Variant Classification Scheme 2023. Collection method: clinical testing. Allele origin: germline.

Illumina Laboratory Services, Illumina
Classification: Uncertain significance for Autosomal recessive limb-girdle muscular dystrophy type 2J. Last evaluated: 2018-01-13. Review status: criteria provided, single submitter. Criteria: ICSL Variant Classification Criteria 13 December 2019. Collection method: clinical testing. Allele origin: germline.

Illumina Laboratory Services, Illumina
Classification: Uncertain significance for Early-onset myopathy with fatal cardiomyopathy. Last evaluated: 2018-01-13. Review status: criteria provided, single submitter. Criteria: ICSL Variant Classification Criteria 13 December 2019. Collection method: clinical testing. Allele origin: germline.

Illumina Laboratory Services, Illumina
Classification: Benign for Tibial muscular dystrophy. Last evaluated: 2018-01-13. Review status: criteria provided, single submitter. Criteria: ICSL Variant Classification Criteria 13 December 2019. Collection method: clinical testing. Allele origin: germline.
Comment: This variant was observed in the ICSL laboratory as part of a predisposition screen in an ostensibly healthy population. It had not been previously curated by ICSL or reported in the Human Gene Mutation Database (HGMD: prior to June 1st, 2018), and was therefore a candidate for classification through an automated scoring system. Utilizing variant allele frequency, disease prevalence and penetrance estimates, and inheritance mode, an automated score was calculated to assess if this variant is too frequent to cause the disease. Based on the score and internal cut-off values, a variant classified as benign is not then subjected to further curation. The score for this variant resulted in a classification of benign for this disease.

Illumina Laboratory Services, Illumina
Classification: Uncertain significance for Dilated cardiomyopathy 1G. Last evaluated: 2018-01-13. Review status: criteria provided, single submitter. Criteria: ICSL Variant Classification Criteria 13 December 2019. Collection method: clinical testing. Allele origin: germline.

Illumina Laboratory Services, Illumina
Classification: Benign for Myopathy, myofibrillar, 9, with early respiratory failure. Last evaluated: 2018-01-13. Review status: criteria provided, single submitter. Criteria: ICSL Variant Classification Criteria 13 December 2019. Collection method: clinical testing. Allele origin: germline.
Comment: the same text as in the submission from Illumina Laboratory Services, Illumina above.

Labcorp Genetics (formerly Invitae), Labcorp
Classification: Uncertain significance for Dilated cardiomyopathy 1G; Autosomal recessive limb-girdle muscular dystrophy type 2J. Last evaluated: 2017-04-20. Review status: criteria provided, single submitter. Criteria: Invitae Variant Classification Sherloc (09022015). Collection method: clinical testing. Allele origin: germline.

Athena Diagnostics
Classification: Uncertain significance. Last evaluated: 2017-03-03. Review status: criteria provided, single submitter. Criteria: Athena Diagnostics Criteria. Collection method: clinical testing. Allele origin: germline.

Eurofins Ntd Llc (ga)
Classification: Uncertain significance. Last evaluated: 2017-01-11. Review status: criteria provided, single submitter. Criteria: EGL Classification Definitions 2015. Collection method: clinical testing. Allele origin: germline. Observed: 1 variant allele, 1 heterozygote.

Laboratory for Molecular Medicine, Mass General Brigham Personalized Medicine
Classification: Likely benign. Last evaluated: 2015-07-02. Review status: criteria provided, single submitter. Criteria: LMM Criteria. Collection method: clinical testing. Allele origin: germline. Observed: 1 variant allele.
Comment: p.Pro30313Ser in exon 301 of TTN: This variant is not expected to have clinical significance due to a lack of conservation across species, including mammals. Of note, 3 mammals (chimp, dog, and black flying fox) as well as multiple bird, re ptile, and fish species have a serine (Ser) at this position, despite high nearb y amino acid conservation. In addition, this variant has been identified in 0.1% (9/8602) of East Asian chromosomes by the Exome Aggregation Consortium (ExAC; dbSNP rs367979582).

Biesecker Lab/Clinical Genomics Section, National Institutes of Health
Classification: Uncertain significance. Last evaluated: 2013-06-24. Review status: criteria provided, single submitter. Criteria: Ng et al. (Circ Cardiovasc Genet. 2013). Collection method: research. Allele origin: unknown. Observed: 1 variant allele. Study: ClinSeq.
Comment: The study set was not selected for affection status in relation to any cancer. Pathogenicity categories were based on literature curation. See Pubmed ID:23861362 for details.

Medical sequencing

Clinical Genetics DNA and cytogenetics Diagnostics Lab, Erasmus MC, Erasmus Medical Center
Classification: Likely benign. Review status: no assertion criteria provided. Collection method: clinical testing. Allele origin: germline. Affected: yes. Study: VKGL Data-share Consensus. Not counted in ClinVar's aggregate classification.

Clinical Genetics, Academic Medical Center
Classification: Likely benign. Review status: no assertion criteria provided. Collection method: clinical testing. Allele origin: germline. Affected: yes. Study: VKGL Data-share Consensus. Not counted in ClinVar's aggregate classification.

Literature cited by the submitters: PubMed 23861362 (cited by Ambry Genetics).